The following is an entry in ClinVar:

ClinVar aggregate classification (germline): Uncertain significance (1 of 4 stars; one submission).

Allele frequency attached by ClinVar (database versions not stated): TOPMed 0.00001; gnomAD 0.00002; gnomAD exomes below 0.00001.
gnomAD v4.1: 7 of 1,613,640 alleles (0.00043%); highest among the groups gnomAD compares: Non-Finnish European, 0.00051%; no homozygotes.

Submission:

Labcorp Genetics (formerly Invitae), Labcorp
Classification: Uncertain significance. Last evaluated: 2022-05-09. Review status: criteria provided, single submitter. Criteria: Invitae Variant Classification Sherloc (09022015). Collection method: clinical testing. Allele origin: germline.
Comment: In summary, the available evidence is currently insufficient to determine the role of this variant in disease. Therefore, it has been classified as a Variant of Uncertain Significance. Algorithms developed to predict the effect of missense changes on protein structure and function output the following: SIFT: "Deleterious"; PolyPhen-2: "Benign"; Align-GVGD: "Class C0". The valine amino acid residue is found in multiple mammalian species, which suggests that this missense change does not adversely affect protein function. This variant has not been reported in the literature in individuals affected with SPP2-related conditions. This variant is not present in population databases (gnomAD no frequency). This sequence change replaces leucine, which is neutral and non-polar, with valine, which is neutral and non-polar, at codon 168 of the SPP2 protein (p.Leu168Val).

NM_006944.3(SPP2):c.502C>G (p.Leu168Val)

Gene: SPP2 (secreted phosphoprotein 2; plus strand). Cytogenetic location: 2q37.1.
Variant type: single nucleotide variant.
Coding change: c.502C>G on transcript NM_006944.3 (MANE Select); coding-DNA position 502, C replaced by G.
Protein change: p.Leu168Val; replaces leucine 168 with valine.
Molecular consequence: missense variant.
Genome position (GRCh38, 1-based): chr2:234,067,226, C>G. VCF-style: chr2-234067226-C-G. GRCh37 (hg19) VCF-style: chr2-234975870-C-G.
Other names: short protein forms L168V.
Identifiers: ClinVar variation 2052550 (VCV002052550.4), dbSNP rs1380880592, ClinGen allele CA351105107.